The following is an entry in ClinVar:

NM_024747.6(HPS6):c.1180G>A (p.Val394Ile)

Gene: HPS6 (HPS6 biogenesis of lysosomal organelles complex 2 subunit 3; plus strand). Cytogenetic location: 10q24.32.
Variant type: single nucleotide variant.
Coding change: c.1180G>A on transcript NM_024747.6 (MANE Select); coding-DNA position 1180, G replaced by A.
Protein change: p.Val394Ile; replaces valine 394 with isoleucine.
Molecular consequence: missense variant.
Genome position (GRCh38, 1-based): chr10:102,066,654, G>A. VCF-style: chr10-102066654-G-A. GRCh37 (hg19) VCF-style: chr10-103826411-G-A.
Other names: c.1180G>A (NM_024747.5); short protein forms V394I.
Identifiers: ClinVar variation 1450810 (VCV001450810.5), dbSNP rs758228124, ClinGen allele CA5659935.

ClinVar aggregate classification (germline): Uncertain significance. Review status: criteria provided, multiple submitters, no conflicts (2 of 4 stars). 2 submissions from 2 submitters: Uncertain significance (2). Last evaluated 2024-12-16.

Conditions:
Inborn genetic diseases. Identifiers: MedGen C0950123, MeSH D030342.

Allele frequency attached by ClinVar (database versions not stated): gnomAD 0.00002; gnomAD exomes 0.00003 and 0.00004; ExAC 0.00004.
gnomAD v4.1: 41 of 1,613,800 alleles (0.0025%); highest among the groups gnomAD compares: South Asian, 0.044%; 1 homozygote.

Submissions (2):

Labcorp Genetics (formerly Invitae), Labcorp
Classification: Uncertain significance. Last evaluated: 2024-12-16. Review status: criteria provided, single submitter. Criteria: Invitae Variant Classification Sherloc (09022015). Collection method: clinical testing. Allele origin: germline.
Comment: This sequence change replaces valine, which is neutral and non-polar, with isoleucine, which is neutral and non-polar, at codon 394 of the HPS6 protein (p.Val394Ile). This variant is present in population databases (rs758228124, gnomAD 0.04%), including at least one homozygous and/or hemizygous individual. This variant has not been reported in the literature in individuals affected with HPS6-related conditions. ClinVar contains an entry for this variant (Variation ID: 1450810). Invitae Evidence Modeling of protein sequence and biophysical properties (such as structural, functional, and spatial information, amino acid conservation, physicochemical variation, residue mobility, and thermodynamic stability) indicates that this missense variant is not expected to disrupt HPS6 protein function with a negative predictive value of 80%. In summary, the available evidence is currently insufficient to determine the role of this variant in disease. Therefore, it has been classified as a Variant of Uncertain Significance.

Ambry Genetics
Classification: Uncertain significance for Inborn genetic diseases. Last evaluated: 2021-07-09. Review status: criteria provided, single submitter. Criteria: Ambry Variant Classification Scheme 2023. Collection method: clinical testing. Allele origin: germline.